The following is an entry in ClinVar:

NM_015557.3(CHD5):c.2918C>T (p.Ser973Phe)

Gene: CHD5 (chromodomain helicase DNA binding protein 5; minus strand). Cytogenetic location: 1p36.31.
Variant type: single nucleotide variant.
Coding change: c.2918C>T on transcript NM_015557.3 (MANE Select); coding-DNA position 2918, C replaced by T.
Protein change: p.Ser973Phe; replaces serine 973 with phenylalanine.
Molecular consequence: missense variant.
Genome position (GRCh38, 1-based): chr1:6,134,812, G>A on the plus strand (C>T on the coding strand, the complement: CHD5 is on the minus strand). VCF-style: chr1-6134812-G-A. GRCh37 (hg19) VCF-style: chr1-6194872-G-A.
Other names: short protein forms S973F.
Identifiers: ClinVar variation 1314111 (VCV001314111.4), dbSNP rs1024604852, ClinGen allele CA17161940.

ClinVar aggregate classification (germline): Uncertain significance. Review status: criteria provided, multiple submitters, no conflicts (2 of 4 stars). 2 submissions from 2 submitters: Uncertain significance (2). Last evaluated 2025-01-09.

Allele frequency attached by ClinVar (database versions not stated): TOPMed below 0.00001.
gnomAD v4.1: 3 of 1,614,124 alleles (0.00019%); highest among the groups gnomAD compares: Non-Finnish European, 0.00025%; no homozygotes.

Submissions (2):

Dasa
Classification: Uncertain significance. Last evaluated: 2025-01-09. Review status: criteria provided, single submitter. Criteria: DASA Assertion Criteria. Collection method: clinical testing. Allele origin: germline.
Comment: NM_015557.3(CHD5):c.2918C>T (p.Ser973Phe) is a missense variant that results in the substitution of serine with phenylalanine. This variant is rare in population databases. The currently available literature and clinical evidence are not sufficient to establish a definitive association between this variant and the reported condition. Therefore, this variant is classified as a variant of uncertain significance.

GeneDx
Classification: Uncertain significance. Last evaluated: 2020-02-15. Review status: criteria provided, single submitter. Criteria: GeneDx Variant Classification Process June 2021. Collection method: clinical testing. Allele origin: germline. Affected: yes.
Comment: Not observed in large population cohorts (Lek et al., 2016); In silico analysis supports that this missense variant has a deleterious effect on protein structure/function; Has not been previously published as pathogenic or benign to our knowledge; Variants in candidate genes are classified as variants of uncertain significance in accordance with ACMG guidelines (Richards et al., 2015)